The following is an entry in ClinVar:

NM_012281.3(KCND2):c.1209G>A (p.Pro403=)

Gene: KCND2 (potassium voltage-gated channel subfamily D member 2; plus strand). Cytogenetic location: 7q31.31.
Variant type: single nucleotide variant.
Coding change: c.1209G>A on transcript NM_012281.3 (MANE Select); coding-DNA position 1209, G replaced by A.
Protein change: p.Pro403=; no amino-acid change (proline 403 retained).
Molecular consequence: synonymous variant.
Genome position (GRCh38, 1-based): chr7:120,732,996, G>A. VCF-style: chr7-120732996-G-A. GRCh37 (hg19) VCF-style: chr7-120373050-G-A.
Identifiers: ClinVar variation 1103344 (VCV001103344.13), dbSNP rs139984469, ClinGen allele CA4453601.

ClinVar aggregate classification (germline): Likely benign. Review status: criteria provided, multiple submitters, no conflicts (2 of 4 stars). 2 submissions from 2 submitters: Likely benign (2). Last evaluated 2026-03-01.

Conditions:
Early Myoclonic Encephalopathy. Identifiers: MedGen C0270855.

Allele frequency attached by ClinVar (database versions not stated): 1000 Genomes Project 0.00020; ESP Exome Variant Server 0.00023; gnomAD 0.00023 and 0.00026; 1000 Genomes Project 30x 0.00031; TOPMed 0.00036.
gnomAD v4.1: 85 of 1,613,534 alleles (0.0053%); highest among the groups gnomAD compares: African/African-American, 0.068%; no homozygotes.

Submissions (2):

CeGaT Center for Human Genetics Tuebingen
Classification: Likely benign. Last evaluated: 2026-03-01. Review status: criteria provided, single submitter. Criteria: CeGaT Center For Human Genetics Tuebingen Variant Classification Criteria Version 2. Collection method: clinical testing. Allele origin: germline. Affected: yes. Observed: 1 variant allele.
Comment: KCND2: BP4, BP7

Labcorp Genetics (formerly Invitae), Labcorp
Classification: Likely benign for Early Myoclonic Encephalopathy. Last evaluated: 2026-01-09. Review status: criteria provided, single submitter. Criteria: Invitae Variant Classification Sherloc (09022015). Collection method: clinical testing. Allele origin: germline.